The following is an entry in ClinVar:

ClinVar aggregate classification (germline): Uncertain significance (1 of 4 stars; one submission).

Conditions:
Cardiovascular phenotype. Identifiers: MedGen CN230736.

Submission:

Ambry Genetics
Classification: Uncertain significance for Cardiovascular phenotype. Last evaluated: 2025-11-15. Review status: criteria provided, single submitter. Criteria: Ambry Variant Classification Scheme 2023. Collection method: clinical testing. Allele origin: germline.
Comment: The p.F47L variant (also known as c.141C>G), located in coding exon 1 of the CRYAB gene, results from a C to G substitution at nucleotide position 141. The phenylalanine at codon 47 is replaced by leucine, an amino acid with highly similar properties. This amino acid position is conserved. In addition, the in silico prediction for this alteration is inconclusive. Based on the available evidence, the clinical significance of this variant remains unclear.

NM_001289808.2(CRYAB):c.141C>G (p.Phe47Leu)

Gene: CRYAB (crystallin alpha B; minus strand). Cytogenetic location: 11q23.1.
Variant type: single nucleotide variant.
Coding change: c.141C>G on transcript NM_001289808.2 (MANE Select); coding-DNA position 141, C replaced by G.
Protein change: p.Phe47Leu; replaces phenylalanine 47 with leucine.
Molecular consequence: missense variant.
Genome position (GRCh38, 1-based): chr11:111,911,584, G>C on the plus strand (C>G on the coding strand, the complement: CRYAB is on the minus strand). VCF-style: chr11-111911584-G-C. GRCh37 (hg19) VCF-style: chr11-111782308-G-C.
Other names: c.141C>G, p.Phe47Leu (NM_001289807.1, NM_001368245.1, NM_001885.3); short protein forms F47L.
Identifiers: ClinVar variation 4613943 (VCV004613943.1).
Genomic context (GRCh38, chr11:111,911,584, plus strand): 5'-CTCTGAGAGTCCAGTGTCAAACCAGCTGGGTGCCCGCAGGAAGGAGGGTGGCCGAAGGTA[G>C]AAGGGACTCAGGGAAGTAGACGTCGGGAAAAGATCAGACTCCAACAGGTGCTCTCCGAAG-3'
Protein context (NP_001276737.1, residues 37-57): LFPTSTSLSP[Phe47Leu]YLRPPSFLRA